The following is an entry in ClinVar:

ClinVar aggregate classification (germline): Uncertain significance (1 of 4 stars; one submission).

Submission:

GeneDx
Classification: Uncertain significance. Last evaluated: 2025-06-23. Review status: criteria provided, single submitter. Criteria: GeneDx Variant Classification Process June 2021. Collection method: clinical testing. Allele origin: germline. Affected: yes.
Comment: Not observed at significant frequency in large population cohorts (gnomAD); In silico analysis supports that this missense variant has a deleterious effect on protein structure/function; Has not been previously published as pathogenic or benign to our knowledge; Also known as p.(P880T)

NM_001243133.2(NLRP3):c.2638C>A (p.Pro880Thr)

Gene: NLRP3 (NLR family pyrin domain containing 3; plus strand). Cytogenetic location: 1q44.
Variant type: single nucleotide variant.
Coding change: c.2638C>A on transcript NM_001243133.2 (MANE Select); coding-DNA position 2638, C replaced by A.
Protein change: p.Pro880Thr; replaces proline 880 with threonine.
Molecular consequence: missense variant. On other transcripts: intron variant (2).
Genome position (GRCh38, 1-based): chr1:247,436,115, C>A. VCF-style: chr1-247436115-C-A. GRCh37 (hg19) VCF-style: chr1-247599417-C-A.
Other names: c.2638C>A, p.Pro880Thr (NM_001079821.3); c.2467C>A, p.Pro823Thr (NM_001127462.3); c.2644C>A, p.Pro882Thr (NM_004895.5); c.2492+1842C>A (NM_001127461.3); c.2321+1842C>A (NM_183395.3); short protein forms P823T, P880T, P882T.
Identifiers: ClinVar variation 4540241 (VCV004540241.1).